The following is an entry in ClinVar:

ClinVar aggregate classification (germline): Benign. Review status: criteria provided, multiple submitters, no conflicts (2 of 4 stars). 4 submissions from 3 submitters: Benign (4). Last evaluated 2021-05-10.

Conditions:
Tangier disease (TGD). Also called: HIGH DENSITY LIPOPROTEIN DEFICIENCY, TANGIER TYPE; HIGH DENSITY LIPOPROTEIN DEFICIENCY, TYPE 1; Cholesterol thesaurismosis. Identifiers: Orphanet 31150, MedGen C0039292, MONDO:0008783, OMIM 205400.
Hypoalphalipoproteinemia, primary, 1. Identifiers: Orphanet 425, MedGen C5231558, MONDO:0011393, OMIM 604091.

Allele frequency attached by ClinVar (database versions not stated): 1000 Genomes Project 0.01278; 1000 Genomes Project 30x 0.01390; TOPMed 0.02315; gnomAD 0.02812 and 0.02891; gnomAD exomes 0.07009.
gnomAD v4.1: 4,281 of 152,752 alleles (2.8%); highest among the groups gnomAD compares: Non-Finnish European, 4.2%; 94 homozygotes.

Submissions (4):

GeneDx
Classification: Benign. Last evaluated: 2021-05-10. Review status: criteria provided, single submitter. Criteria: GeneDx Variant Classification Process June 2021. Collection method: clinical testing. Allele origin: germline. Affected: yes.

Illumina Laboratory Services, Illumina
Classification: Benign for Tangier disease. Last evaluated: 2018-01-13. Review status: criteria provided, single submitter. Criteria: ICSL Variant Classification Criteria 13 December 2019. Collection method: clinical testing. Allele origin: germline.
Comment: This variant was observed in the ICSL laboratory as part of a predisposition screen in an ostensibly healthy population. It had not been previously curated by ICSL or reported in the Human Gene Mutation Database (HGMD: prior to June 1st, 2018), and was therefore a candidate for classification through an automated scoring system. Utilizing variant allele frequency, disease prevalence and penetrance estimates, and inheritance mode, an automated score was calculated to assess if this variant is too frequent to cause the disease. Based on the score and internal cut-off values, a variant classified as benign is not then subjected to further curation. The score for this variant resulted in a classification of benign for this disease.

Illumina Laboratory Services, Illumina
Classification: Benign for Hypoalphalipoproteinemia, primary, 1. Last evaluated: 2018-01-13. Review status: criteria provided, single submitter. Criteria: ICSL Variant Classification Criteria 13 December 2019. Collection method: clinical testing. Allele origin: germline.
Comment: the same text as in the submission from Illumina Laboratory Services, Illumina above.

Breakthrough Genomics
Classification: Benign. Review status: criteria provided, single submitter. Criteria: ACMG Guidelines, 2015. Collection method: not provided. Allele origin: germline. Inheritance: Autosomal recessive inheritance. Affected: yes.

NM_005502.4(ABCA1):c.*3220A>G

Genes: ABCA1 (ATP binding cassette subfamily A member 1; minus strand), NIPSNAP3B (nipsnap homolog 3B; plus strand). Cytogenetic location: 9q31.1.
Variant type: single nucleotide variant.
Coding change: c.*3220A>G on transcript NM_005502.4 (MANE Select); 3220 bases downstream of the stop codon, A replaced by G.
Molecular consequence: 3 prime UTR variant.
Genome position (GRCh38, 1-based): chr9:104,781,095, T>C on the plus strand (A>G on the coding strand, the complement: ABCA1 is on the minus strand). VCF-style: chr9-104781095-T-C. GRCh37 (hg19) VCF-style: chr9-107543376-T-C.
Identifiers: ClinVar variation 364322 (VCV000364322.8), dbSNP rs10991377, ClinGen allele CA10628638.